The following is an entry in ClinVar:

GRCh37/hg19 22q13.33(chr22:51127897-51197838)x1

Genes: ACR (acrosin; plus strand), SHANK3 (SH3 and multiple ankyrin repeat domains 3; plus strand). Cytogenetic location: 22q13.33.
Variant type: copy number loss.
Change: copy number 1 (one copy instead of two) of chr22:51,127,897-51,197,838 (69.9 kb, GRCh37 coordinates, 1-based), cytogenetic band 22q13.33.
Identifiers: ClinVar variation 4683001 (VCV004683001.1).

ClinVar aggregate classification (germline): Pathogenic (1 of 4 stars; one submission).

Submission:

Quest Diagnostics Nichols Institute San Juan Capistrano
Classification: Pathogenic. Last evaluated: 2024-07-17. Review status: criteria provided, single submitter. Criteria: ACMG/ClinGen CNV Guidelines, 2019. Collection method: clinical testing. Allele origin: unknown.
Comment: This loss contains multiple exons (NM_001372044.2) of the 3’ portion of SHANK3 (OMIM 606230). Haploinsufficiency of SHANK3 is associated with Phelan-McDermid syndrome (OMIM 606232; Bonaglia 2011, Phelan 2018, Rehm 2015, Xu 2020). There has been some evidence that smaller SHANK3 variants may exhibit incomplete penetrance and/or variable expressivity (Tabet 2017). There is one similar copy number loss of this region in the general populations of the Database of Genomic Variants. Therefore, this copy number variant (CNV) is classified as pathogenic with variable expressivity. References: Bonaglia et al., PLoS Genet. 2011 Jul;7(7):e1002173. PMID: 21779178 Phelan et al., GeneReviews [Internet]., 7 Jun 2018. PMID: 20301377 Rehm et al., N Engl J Med. 2015 Jun 4;372(23):2235-42. PMID: 26014595; ISCA-3097 Tabet et al., NPJ Genom Med. 2017 Oct 23:2:32. PMID: 29263841 Xu et al., Orphanet J Rare Dis. 2020 Nov 30;15(1):335. PMID: 33256793